The following is an entry in ClinVar:

ClinVar aggregate classification (germline): Pathogenic. Review status: criteria provided, multiple submitters, no conflicts (2 of 4 stars). 4 submissions from 4 submitters: Pathogenic (4). Last evaluated 2024-05-08.

Conditions:
DMD-related disorder. Also called: DMD-related condition.
Progressive muscular dystrophy. Identifiers: Orphanet 206644, MedGen C4551827, MONDO:0016106.
Duchenne muscular dystrophy (DMD). Also called: Duchenne Muscular Dystrophy (DMD); MUSCULAR DYSTROPHY, PSEUDOHYPERTROPHIC PROGRESSIVE, DUCHENNE TYPE. Identifiers: Orphanet 98896, MedGen C0013264, MONDO:0010679, OMIM 310200.

Submissions (4):

Myriad Genetics, Inc.
Classification: Pathogenic for Progressive muscular dystrophy. Last evaluated: 2024-05-08. Review status: criteria provided, single submitter. Criteria: Myriad Autosomal Dominant, Autosomal Recessive and X-Linked Classification Criteria (2023). Collection method: clinical testing. Allele origin: unknown.
Comment: NM_004006.2(DMD):c.7899G>A(W2633*) is expected to be pathogenic in the context of dystrophinopathy (including Duchenne/Becker muscular dystrophy). This variant is predicted to lead to an abnormal or absent protein product due to the creation of a premature termination codon in DMD, a gene where loss-of-function variants are known to be pathogenic. Please note: this variant was assessed in the context of healthy population screening.

Blueprint Genetics
Classification: Pathogenic for DMD-related disorders. Last evaluated: 2023-05-26. Review status: criteria provided, single submitter. Criteria: ACMG Guidelines, 2015. Collection method: clinical testing. Allele origin: germline. Affected: yes. Observed: 1 variant allele.

Labcorp Genetics (formerly Invitae), Labcorp
Classification: Pathogenic for Duchenne muscular dystrophy. Last evaluated: 2022-08-26. Review status: criteria provided, single submitter. Criteria: Invitae Variant Classification Sherloc (09022015). Collection method: clinical testing. Allele origin: germline.
Comment: This variant is also known as p.W2625X. For these reasons, this variant has been classified as Pathogenic. ClinVar contains an entry for this variant (Variation ID: 439610). This premature translational stop signal has been observed in individual(s) with clinical features of DMD-related conditions (PMID: 31379145, 31397097). This variant is not present in population databases (gnomAD no frequency). This sequence change creates a premature translational stop signal (p.Trp2633*) in the DMD gene. It is expected to result in an absent or disrupted protein product. Loss-of-function variants in DMD are known to be pathogenic (PMID: 16770791, 25007885).

ARUP Laboratories, Molecular Genetics and Genomics, ARUP Laboratories
Classification: Pathogenic. Last evaluated: 2016-09-12. Review status: criteria provided, single submitter. Criteria: ARUP Molecular Germline Variant Investigation Process. Collection method: clinical testing. Allele origin: germline.

Literature cited by the submitters: PubMed 31379145 (cited by Labcorp Genetics (formerly Invitae), Labcorp); PubMed 31397097 (cited by Labcorp Genetics (formerly Invitae), Labcorp); PubMed 16770791 (cited by Labcorp Genetics (formerly Invitae), Labcorp); PubMed 25007885 (cited by Labcorp Genetics (formerly Invitae), Labcorp).

NM_004006.3(DMD):c.7899G>A (p.Trp2633Ter)

Gene: DMD (dystrophin; minus strand). Cytogenetic location: Xp21.1.
Variant type: single nucleotide variant.
Coding change: c.7899G>A on transcript NM_004006.3 (MANE Select); coding-DNA position 7899, G replaced by A.
Protein change: p.Trp2633Ter; replaces tryptophan 2633 with a stop codon.
Molecular consequence: nonsense.
Genome position (GRCh38, 1-based): chrX:31,658,118, C>T on the plus strand (G>A on the coding strand, the complement: DMD is on the minus strand). VCF-style: chrX-31658118-C-T. GRCh37 (hg19) VCF-style: chrX-31676235-C-T.
Other names: c.7875G>A, p.Trp2625Ter (NM_000109.4); c.7887G>A, p.Trp2629Ter (NM_004009.3); c.7530G>A, p.Trp2510Ter (NM_004010.3); c.3876G>A, p.Trp1292Ter (NM_004011.4); c.3867G>A, p.Trp1289Ter (NM_004012.4); c.519G>A, p.Trp173Ter (NM_004013.3, NM_004020.4, NM_004021.3 and 2 more transcripts); short protein forms W2633*, W1289*, W1292*, W173*, W2510*, W2625*, W2629*.
Identifiers: ClinVar variation 439610 (VCV000439610.17), dbSNP rs1556790316, ClinGen allele CA412655998.